The following is an entry in ClinVar:

ClinVar aggregate classification (germline): Pathogenic/Likely pathogenic. Review status: criteria provided, multiple submitters, no conflicts (2 of 4 stars). 5 submissions from 5 submitters: Pathogenic (1); Likely pathogenic (4). Last evaluated 2025-09-02.

Conditions:
Polycystic kidney disease 4 (PKD4). Also called: POLYCYSTIC KIDNEY AND HEPATIC DISEASE 1; POLYCYSTIC KIDNEY DISEASE, INFANTILE, TYPE I; PKD3; POLYCYSTIC KIDNEY DISEASE 4 WITH OR WITHOUT POLYCYSTIC LIVER DISEASE; Autosomal Recessive Polycystic Kidney Disease – PKHD1. Identifiers: MedGen C4540575, MONDO:0033004, OMIM 263200.
Autosomal recessive polycystic kidney disease (ARPKD). Also called: AR polycystic kidney disease. Identifiers: Orphanet 731, Orphanet 8378, MedGen C0085548, MeSH D017044, MONDO:0009889.

gnomAD v4.1: 1 of 1,612,610 alleles (0.000062%); highest among the groups gnomAD compares: Middle Eastern, 0.017%; no homozygotes.

Submissions (5):

Natera, Inc.
Classification: Likely pathogenic for Autosomal recessive polycystic kidney disease. Last evaluated: 2025-09-02. Review status: criteria provided, single submitter. Criteria: Natera Variant Classification Schema (03/2026). Collection method: clinical testing. Allele origin: germline.
Comment: The c.11089C>T variant in PKHD1 is a nonsense variant predicted to introduce a stop codon at amino acid 3697. This variant is expected to result in nonsense mediated decay, truncation, or a dysfunctional protein product. This variant is rare in the general population with a frequency below the threshold expected for the associated phenotype(s). Given the available evidence, this variant is classified as Likely Pathogenic.

Fulgent Genetics
Classification: Likely pathogenic for Polycystic kidney disease 4. Last evaluated: 2024-05-09. Review status: criteria provided, single submitter. Criteria: ACMG Guidelines, 2015. Collection method: clinical testing. Allele origin: germline.

Baylor Genetics
Classification: Likely pathogenic for Polycystic kidney disease 4. Last evaluated: 2024-01-04. Review status: criteria provided, single submitter. Criteria: ACMG Guidelines, 2015. Collection method: clinical testing. Allele origin: unknown.

Labcorp Genetics (formerly Invitae), Labcorp
Classification: Pathogenic for Autosomal recessive polycystic kidney disease. Last evaluated: 2023-06-25. Review status: criteria provided, single submitter. Criteria: Invitae Variant Classification Sherloc (09022015). Collection method: clinical testing. Allele origin: germline.
Comment: This variant is not present in population databases (gnomAD no frequency). This sequence change creates a premature translational stop signal (p.Gln3697*) in the PKHD1 gene. It is expected to result in an absent or disrupted protein product. Loss-of-function variants in PKHD1 are known to be pathogenic (PMID: 19940839). This variant has not been reported in the literature in individuals affected with PKHD1-related conditions. For these reasons, this variant has been classified as Pathogenic.

Mayo Clinic Laboratories, Mayo Clinic
Classification: Likely pathogenic. Last evaluated: 2023-06-01. Review status: criteria provided, single submitter. Criteria: ACMG Guidelines, 2015. Collection method: clinical testing. Allele origin: germline. Observed: 1 variant allele.
Comment: PM2_supporting, PVS1

Literature cited by the submitters: PubMed 19940839 (cited by Labcorp Genetics (formerly Invitae), Labcorp).

NM_138694.4(PKHD1):c.11089C>T (p.Gln3697Ter)

Gene: PKHD1 (PKHD1 ciliary IPT domain containing fibrocystin/polyductin; minus strand). Cytogenetic location: 6p12.3.
Variant type: single nucleotide variant.
Coding change: c.11089C>T on transcript NM_138694.4 (MANE Select); coding-DNA position 11089, C replaced by T.
Protein change: p.Gln3697Ter; replaces glutamine 3697 with a stop codon.
Molecular consequence: nonsense.
Genome position (GRCh38, 1-based): chr6:51,659,037, G>A on the plus strand (C>T on the coding strand, the complement: PKHD1 is on the minus strand). VCF-style: chr6-51659037-G-A. GRCh37 (hg19) VCF-style: chr6-51523835-G-A.
Other names: p.Gln3697*; c.11089C>T (NM_138694.3); short protein forms Q3697*.
Identifiers: ClinVar variation 2683655 (VCV002683655.7), dbSNP rs1772364866, ClinGen allele CA364430118.
Genomic context (GRCh38, chr6:51,659,037, plus strand): 5'-GAGTAACTAGTAAGGCCCCGATAGTCATATTCAGAACATTCTCTAGTACCCCAGTCTGTT[G>A]AGCAGTGATGACTCGATGAGCCAAATTCTGTAATTTGTTACTTGATAAGGATGAAATCAT-3'